The following is an entry in ClinVar:

NM_001040108.2(MLH3):c.1141C>G (p.Arg381Gly)

Gene: MLH3 (mutL homolog 3; minus strand). Cytogenetic location: 14q24.3.
Variant type: single nucleotide variant.
Coding change: c.1141C>G on transcript NM_001040108.2 (MANE Select); coding-DNA position 1141, C replaced by G.
Protein change: p.Arg381Gly; replaces arginine 381 with glycine.
Molecular consequence: missense variant.
Genome position (GRCh38, 1-based): chr14:75,048,515, G>C on the plus strand (C>G on the coding strand, the complement: MLH3 is on the minus strand). VCF-style: chr14-75048515-G-C. GRCh37 (hg19) VCF-style: chr14-75515218-G-C.
Other names: c.1141C>G, p.Arg381Gly (NM_014381.3); short protein forms R381G.
Identifiers: ClinVar variation 3873449 (VCV003873449.1).

ClinVar aggregate classification (germline): Uncertain significance (1 of 4 stars; one submission).

Submission:

Ambry Genetics
Classification: Uncertain significance. Last evaluated: 2025-02-19. Review status: criteria provided, single submitter. Criteria: Ambry Variant Classification Scheme 2023. Collection method: clinical testing. Allele origin: germline.
Comment: The p.R381G variant (also known as c.1141C>G), located in coding exon 1 of the MLH3 gene, results from a C to G substitution at nucleotide position 1141. The arginine at codon 381 is replaced by glycine, an amino acid with dissimilar properties. This amino acid position is poorly conserved in available vertebrate species. In addition, this alteration is predicted to be tolerated by in silico analysis. The evidence for this gene-disease relationship is limited; therefore, the clinical significance of this alteration is unclear.